The following is an entry in ClinVar:

NM_000132.4(F8):c.1421G>A (p.Gly474Glu)

Gene: F8 (coagulation factor VIII; minus strand). Cytogenetic location: Xq28.
Variant type: single nucleotide variant.
Coding change: c.1421G>A on transcript NM_000132.4 (MANE Select); coding-DNA position 1421, G replaced by A.
Protein change: p.Gly474Glu; replaces glycine 474 with glutamic acid.
Molecular consequence: missense variant.
Genome position (GRCh38, 1-based): chrX:154,965,992, C>T on the plus strand (G>A on the coding strand, the complement: F8 is on the minus strand). VCF-style: chrX-154965992-C-T. GRCh37 (hg19) VCF-style: chrX-154194267-C-T.
Other names: NM_000132.4:c.1421G>A; short protein forms G474E.
Identifiers: ClinVar variation 3775065 (VCV003775065.1).

ClinVar aggregate classification (germline): Pathogenic (3 of 4 stars; one submission).

Conditions:
Hereditary factor VIII deficiency disease (HEMA). Also called: HEMOPHILIA, CLASSIC; AUTOSOMAL HEMOPHILIA A; Hemophilia A; Hemophilia A, congenital; HEM A; Factor 8 deficiency, congenital. Identifiers: Orphanet 98878, MedGen C0019069, MONDO:0010602, OMIM 306700.

Submission:

ClinGen Coagulation Factor Deficiency Variant Curation Expert Panel, Clingen
Classification: Pathogenic for Hereditary factor VIII deficiency disease. Last evaluated: 2025-01-14. Review status: reviewed by expert panel. Criteria: ClinGen CoagFactor ACMG Specifications F8 V1.0.0. Collection method: curation. Allele origin: germline. Inheritance: X-linked inheritance.
Comment: The variant, NM_000132.3(F8):c.1421G>A predicts a missense change, Gly474Glu, which is not reported in gnomAD v2.1 or v3.1.1, meeting PM2_Supporting. This variant has been reported in at least 8 patients with severe hemophilia A (at least one patient with an inhibitor to factor replacement therapy - PMID: 16601827) in the literature (PMID: 31134694, 10404764, and 29296726) and from internal VCEP data; meeting the F8 phenotype criteria at PS4_Very Strong. The variant has a REVEL score of 0.973 (threshold >0.6) meeting PP3. In summary, the variant meets criteria to be classified as pathogenic. ACMG/AMP criteria applied, as specified by the Coagulation Factor Deficiency Variant Curation Expert Panel for F8: PS4_Very Strong, PP3, PM2_Supporting.